The following is an entry in ClinVar:

NM_000548.5(TSC2):c.3298G>T (p.Val1100Leu)

Gene: TSC2 (TSC complex subunit 2; plus strand). Cytogenetic location: 16p13.3.
Variant type: single nucleotide variant.
Coding change: c.3298G>T on transcript NM_000548.5 (MANE Select); coding-DNA position 3298, G replaced by T.
Protein change: p.Val1100Leu; replaces valine 1100 with leucine.
Molecular consequence: missense variant.
Genome position (GRCh38, 1-based): chr16:2,079,570, G>T. VCF-style: chr16-2079570-G-T. GRCh37 (hg19) VCF-style: chr16-2129571-G-T.
Other names: c.3166G>T, p.Val1056Leu (NM_001077183.3, NM_001370404.1); c.3298G>T, p.Val1100Leu (NM_001114382.3); c.3058G>T, p.Val1020Leu (NM_001318827.2); c.3022G>T, p.Val1008Leu (NM_001318829.2); c.2566G>T, p.Val856Leu (NM_001318831.2); c.3199G>T, p.Val1067Leu (NM_001318832.2); c.3169G>T, p.Val1057Leu (NM_001363528.2, NM_001370405.1, NM_021055.3); short protein forms V1056L, V1057L, V1067L, V1008L, V1020L, V1100L, V856L.
Identifiers: ClinVar variation 844676 (VCV000844676.10), dbSNP rs1596385749, ClinGen allele CA394286494.

ClinVar aggregate classification (germline): Uncertain significance. Review status: criteria provided, multiple submitters, no conflicts (2 of 4 stars). 2 submissions from 2 submitters: Uncertain significance (2). Last evaluated 2025-02-18.

Conditions:
Hereditary cancer-predisposing syndrome. Also called: Neoplastic Syndromes, Hereditary; Hereditary neoplastic syndrome; Tumor predisposition; Hereditary Cancer Syndrome. Identifiers: Orphanet 140162, MedGen C0027672, MeSH D009386, MONDO:0015356.
Tuberous sclerosis 2 (TSC2). Identifiers: Orphanet 805, MedGen C1860707, MONDO:0013199, OMIM 613254.

Allele frequency attached by ClinVar (database versions not stated): TOPMed below 0.00001; gnomAD 0.00001.
gnomAD v4.1: 1 of 1,610,940 alleles (0.000062%); highest among the groups gnomAD compares: African/African-American, 0.0013%; no homozygotes.

Submissions (2):

Ambry Genetics
Classification: Uncertain significance for Hereditary cancer-predisposing syndrome. Last evaluated: 2025-02-18. Review status: criteria provided, single submitter. Criteria: Ambry Variant Classification Scheme 2023. Collection method: clinical testing. Allele origin: germline.
Comment: The p.V1100L variant (also known as c.3298G>T), located in coding exon 28 of the TSC2 gene, results from a G to T substitution at nucleotide position 3298. The valine at codon 1100 is replaced by leucine, an amino acid with highly similar properties. This amino acid position is poorly conserved in available vertebrate species. In addition, this alteration is predicted to be tolerated by in silico analysis. Based on the available evidence, the clinical significance of this variant remains unclear.

Labcorp Genetics (formerly Invitae), Labcorp
Classification: Uncertain significance for Tuberous sclerosis 2. Last evaluated: 2022-09-01. Review status: criteria provided, single submitter. Criteria: Invitae Variant Classification Sherloc (09022015). Collection method: clinical testing. Allele origin: germline.
Comment: In summary, the available evidence is currently insufficient to determine the role of this variant in disease. Therefore, it has been classified as a Variant of Uncertain Significance. Advanced modeling of protein sequence and biophysical properties (such as structural, functional, and spatial information, amino acid conservation, physicochemical variation, residue mobility, and thermodynamic stability) performed at Invitae indicates that this missense variant is not expected to disrupt TSC2 protein function. ClinVar contains an entry for this variant (Variation ID: 844676). This variant has not been reported in the literature in individuals affected with TSC2-related conditions. This variant is not present in population databases (gnomAD no frequency). This sequence change replaces valine, which is neutral and non-polar, with leucine, which is neutral and non-polar, at codon 1100 of the TSC2 protein (p.Val1100Leu).